The following is an entry in ClinVar:

NM_014698.3(TMEM63A):c.478G>A (p.Val160Ile)

Gene: TMEM63A (transmembrane protein 63A; minus strand). Cytogenetic location: 1q42.12.
Variant type: single nucleotide variant.
Coding change: c.478G>A on transcript NM_014698.3 (MANE Select); coding-DNA position 478, G replaced by A.
Protein change: p.Val160Ile; replaces valine 160 with isoleucine.
Molecular consequence: missense variant.
Genome position (GRCh38, 1-based): chr1:225,867,924, C>T on the plus strand (G>A on the coding strand, the complement: TMEM63A is on the minus strand). VCF-style: chr1-225867924-C-T. GRCh37 (hg19) VCF-style: chr1-226055624-C-T.
Other names: short protein forms V160I.
Identifiers: ClinVar variation 2341459 (VCV002341459.28), dbSNP rs115600896, ClinGen allele CA1419553.
Genomic context (GRCh38, chr1:225,867,924, plus strand): 5'-GACAAGGGTGAGGAGGGTCATTACCCAGCAAGTCCCCTGAGAGGTTGACAGGCAGGATGA[C>T]ACACAGGGACAAAAAGCTGACCACCACCAACAGGAAGATGATGTGCCTCTGGAAGGACAG-3'
Protein context (NP_055513.2, residues 150-170): LVVVSFLSLC[Val160Ile]ILPVNLSGDL

ClinVar aggregate classification (germline): Conflicting classifications of pathogenicity. Review status: criteria provided, conflicting classifications (1 of 4 stars). 4 submissions from 4 submitters: Uncertain significance (1); Likely benign (2). 1 of the submissions does not count toward it. Last evaluated 2026-10-01.

Conditions:
TMEM63A-related disorder. Also called: TMEM63A-related condition.
Inborn genetic diseases. Identifiers: MedGen C0950123, MeSH D030342.

Allele frequency attached by ClinVar (database versions not stated): 1000 Genomes Project 0.00180; 1000 Genomes Project 30x 0.00187; ExAC 0.00271; ESP Exome Variant Server 0.00338; gnomAD 0.00352; TOPMed 0.00371; gnomAD exomes 0.00529.
gnomAD v4.1: 8,244 of 1,614,126 alleles (0.51%); highest among the groups gnomAD compares: Non-Finnish European, 0.62%; 30 homozygotes.

Submissions (4):

CeGaT Center for Human Genetics Tuebingen
Classification: Likely benign. Last evaluated: 2026-10-01. Review status: criteria provided, single submitter. Criteria: CeGaT Center For Human Genetics Tuebingen Variant Classification Criteria Version 2. Collection method: clinical testing. Allele origin: germline. Affected: yes. Observed: 9 variant alleles.
Comment: TMEM63A: BP4, BS2

Blueprint Genetics
Classification: Likely benign. Last evaluated: 2024-11-25. Review status: criteria provided, single submitter. Criteria: ACMG Guidelines, 2015. Collection method: clinical testing. Allele origin: germline.

Ambry Genetics
Classification: Uncertain significance for Inborn genetic diseases. Last evaluated: 2021-12-14. Review status: criteria provided, single submitter. Criteria: Ambry Variant Classification Scheme 2023. Collection method: clinical testing. Allele origin: germline.

PreventionGenetics, part of Exact Sciences
Classification: Likely benign for TMEM63A-related condition. Last evaluated: 2021-05-27. Review status: no assertion criteria provided. Collection method: clinical testing. Allele origin: germline. Not counted in ClinVar's aggregate classification.
Comment: This variant is classified as likely benign based on ACMG/AMP sequence variant interpretation guidelines (Richards et al. 2015 PMID: 25741868, with internal and published modifications).